The following is an entry in ClinVar:

NM_001286445.3(RIPOR2):c.344+3A>G

Gene: RIPOR2 (RHO family interacting cell polarization regulator 2; minus strand). Cytogenetic location: 6p22.3.
Variant type: single nucleotide variant.
Coding change: c.344+3A>G on transcript NM_001286445.3 (MANE Select); 3 bases into the intron after coding-DNA position 344, A replaced by G.
Molecular consequence: intron variant.
Genome position (GRCh38, 1-based): chr6:24,873,641, T>C on the plus strand (A>G on the coding strand, the complement: RIPOR2 is on the minus strand). VCF-style: chr6-24873641-T-C. GRCh37 (hg19) VCF-style: chr6-24873869-T-C.
Other names: c.257+3A>G (NM_001346031.2, NM_014722.5, NM_001346032.2 and 2 more transcripts); c.359+3A>G (NM_001286446.3).
Identifiers: ClinVar variation 2072418 (VCV002072418.4), dbSNP rs769456887, ClinGen allele CA3659585.

ClinVar aggregate classification (germline): Uncertain significance (1 of 4 stars; one submission).

Allele frequency attached by ClinVar (database versions not stated): ExAC 0.00002; gnomAD exomes 0.00002; gnomAD 0.00003; TOPMed 0.00003.
gnomAD v4.1: 38 of 1,611,642 alleles (0.0024%); highest among the groups gnomAD compares: Non-Finnish European, 0.003%; no homozygotes.

Submission:

Labcorp Genetics (formerly Invitae), Labcorp
Classification: Uncertain significance. Last evaluated: 2024-05-25. Review status: criteria provided, single submitter. Criteria: Invitae Variant Classification Sherloc (09022015). Collection method: clinical testing. Allele origin: germline.
Comment: This sequence change falls in intron 3 of the FAM65B gene. It does not directly change the encoded amino acid sequence of the FAM65B protein. It affects a nucleotide within the consensus splice site. This variant is present in population databases (rs769456887, gnomAD 0.006%). This variant has not been reported in the literature in individuals affected with FAM65B-related conditions. ClinVar contains an entry for this variant (Variation ID: 2072418). Variants that disrupt the consensus splice site are a relatively common cause of aberrant splicing (PMID: 17576681, 9536098). Algorithms developed to predict the effect of sequence changes on RNA splicing suggest that this variant may disrupt the consensus splice site. In summary, the available evidence is currently insufficient to determine the role of this variant in disease. Therefore, it has been classified as a Variant of Uncertain Significance.

Literature cited by the submitters: PubMed 17576681; PubMed 9536098.